The following is an entry in ClinVar:

ClinVar aggregate classification (germline): Pathogenic (1 of 4 stars; one submission).

Conditions:
Tuberous sclerosis syndrome (TSC). Also called: Tuberous Sclerosis Complex; Tuberous sclerosis. Identifiers: Orphanet 805, MedGen C0041341, MONDO:0001734.

Submission:

Women's Health and Genetics/Laboratory Corporation of America, LabCorp
Classification: Pathogenic for Tuberous sclerosis syndrome. Last evaluated: 2025-09-02. Review status: criteria provided, single submitter. Criteria: LabCorp Variant Classification Summary - May 2015. Collection method: clinical testing. Allele origin: germline.
Comment: Variant summary: TSC1 c.2263_2266delCAGA (p.Gln755LysfsX17) results in a premature termination codon, predicted to cause a truncation of the encoded protein or absence of the protein due to nonsense mediated decay, which are commonly known mechanisms for disease. The variant was absent in 251402 control chromosomes. To our knowledge, no occurrence of c.2263_2266delCAGA in individuals affected with TSC1-related conditions and no experimental evidence demonstrating its impact on protein function have been reported. No submitters have cited clinical-significance assessments for this variant to ClinVar. Based on the evidence outlined above, the variant was classified as pathogenic.

NM_000368.5(TSC1):c.2263_2266del (p.Gln755fs)

Gene: TSC1 (TSC complex subunit 1; minus strand). Cytogenetic location: 9q34.13.
Variant type: Deletion.
Coding change: c.2263_2266del on transcript NM_000368.5 (MANE Select); coding-DNA positions 2263 to 2266, 4 bases deleted (CAGA; older notation c.2263_2266delCAGA).
Protein change: p.Gln755fs; shifts the reading frame from glutamine 755.
Molecular consequence: frameshift variant. On other transcripts: non-coding transcript variant (5).
Genome position (GRCh38, 1-based): chr9:132,902,730-132,902,733, TCTG deleted on the plus strand (CAGA on the coding strand, the reverse complement: TSC1 is on the minus strand). VCF-style (leftmost placement, unchanged base first): chr9-132902729-TTCTG-T. GRCh37 (hg19) VCF-style: chr9-135778116-TTCTG-T.
Other names: c.1312_1315del, p.Gln438fs (NM_001406626.1); c.1309_1312del, p.Gln437fs (NM_001406627.1, NM_001406628.1); c.2245_2248del, p.Gln749fs (NM_001406603.1, NM_001406604.1); c.2263_2266del, p.Gln755fs (NM_001406605.1, NM_001406606.1, NM_001406607.1 and 5 more transcripts); c.2260_2263del, p.Gln754fs (NM_001406608.1, NM_001406609.1, NM_001162426.2 and 4 more transcripts); c.2110_2113del, p.Gln704fs (NM_001406610.1, NM_001162427.2); c.1900_1903del, p.Gln634fs (NM_001406619.1, NM_001406624.1, NM_001362177.2 and 5 more transcripts); c.1897_1900del, p.Gln633fs (NM_001406620.1, NM_001406623.1, NM_001406625.1 and 2 more transcripts); and 4 more; short protein forms Q404fs, Q437fs, Q438fs, Q633fs, Q634fs, Q703fs, Q704fs, Q749fs.
Identifiers: ClinVar variation 4535884 (VCV004535884.1).